The following is an entry in ClinVar:

ClinVar aggregate classification (germline): Likely benign. Review status: criteria provided, single submitter (1 of 4 stars). 2 submissions from 2 submitters: Likely benign (1). 1 of the submissions does not count toward it. Last evaluated 2020-07-30.

Conditions:
PRKG1-related disorder. Also called: PRKG1-related condition.
Aortic aneurysm, familial thoracic 8 (AAT8). Identifiers: MedGen C3809513, MONDO:0014187, OMIM 615436.

Allele frequency attached by ClinVar (database versions not stated): TOPMed 0.00202; ExAC 0.00085; ESP Exome Variant Server 0.00229; 1000 Genomes Project 0.00180; 1000 Genomes Project 30x 0.00187; gnomAD exomes 0.00024.
gnomAD v4.1: 505 of 1,548,524 alleles (0.033%); highest among the groups gnomAD compares: African/African-American, 0.64%; no homozygotes.

Submissions (2):

ARUP Laboratories, Molecular Genetics and Genomics, ARUP Laboratories
Classification: Likely benign for Aortic aneurysm, familial thoracic 8. Last evaluated: 2020-07-30. Review status: criteria provided, single submitter. Criteria: ARUP Molecular Germline Variant Investigation Process. Collection method: clinical testing. Allele origin: germline.

PreventionGenetics, part of Exact Sciences
Classification: Benign for PRKG1-related condition. Last evaluated: 2019-05-04. Review status: no assertion criteria provided. Collection method: clinical testing. Allele origin: germline. Not counted in ClinVar's aggregate classification.
Comment: This variant is classified as benign based on ACMG/AMP sequence variant interpretation guidelines (Richards et al. 2015 PMID: 25741868, with internal and published modifications).

NM_001098512.3(PRKG1):c.13G>C (p.Glu5Gln)

Gene: PRKG1 (protein kinase cGMP-dependent 1; plus strand). Cytogenetic location: 10q11.23.
Variant type: single nucleotide variant.
Coding change: c.13G>C on transcript NM_001098512.3; coding-DNA position 13, G replaced by C.
Protein change: p.Glu5Gln; replaces glutamic acid 5 with glutamine.
Molecular consequence: missense variant.
Genome position (GRCh38, 1-based): chr10:50,991,391, G>C. VCF-style: chr10-50991391-G-C. GRCh37 (hg19) VCF-style: chr10-52751151-G-C.
Other names: short protein forms E5Q.
Identifiers: ClinVar variation 993808 (VCV000993808.10), dbSNP rs200844105, ClinGen allele CA5502988.